The following is an entry in ClinVar:

ClinVar aggregate classification (germline): Uncertain significance. Review status: criteria provided, multiple submitters, no conflicts (2 of 4 stars). 3 submissions from 3 submitters: Uncertain significance (3). Last evaluated 2023-07-27.

Conditions:
Hereditary cancer-predisposing syndrome. Also called: Neoplastic Syndromes, Hereditary; Tumor predisposition; Hereditary neoplastic syndrome; Hereditary Cancer Syndrome. Identifiers: Orphanet 140162, MedGen C0027672, MeSH D009386, MONDO:0015356.
Birt-Hogg-Dube syndrome. Also called: Birt Hogg Dubé syndrome. Identifiers: Orphanet 122, MedGen C0346010, MONDO:0800444.

Allele frequency attached by ClinVar (database versions not stated): gnomAD exomes below 0.00001.
gnomAD v4.1: 4 of 1,614,058 alleles (0.00025%); highest among the groups gnomAD compares: Non-Finnish European, 0.00034%; no homozygotes.

Submissions (3):

Ambry Genetics
Classification: Uncertain significance for Hereditary cancer-predisposing syndrome. Last evaluated: 2023-07-27. Review status: criteria provided, single submitter. Criteria: Ambry Variant Classification Scheme 2023. Collection method: clinical testing. Allele origin: germline.
Comment: The p.A124T variant (also known as c.370G>A), located in coding exon 2 of the FLCN gene, results from a G to A substitution at nucleotide position 370. The alanine at codon 124 is replaced by threonine, an amino acid with similar properties. This amino acid position is conserved. In addition, this alteration is predicted to be deleterious by in silico analysis. Since supporting evidence is limited at this time, the clinical significance of this alteration remains unclear.

GeneDx
Classification: Uncertain significance. Last evaluated: 2022-06-13. Review status: criteria provided, single submitter. Criteria: GeneDx Variant Classification Process June 2021. Collection method: clinical testing. Allele origin: germline. Affected: yes.
Comment: Not observed at significant frequency in large population cohorts (gnomAD); In silico analysis supports that this missense variant has a deleterious effect on protein structure/function; Has not been previously published as pathogenic or benign to our knowledge

Labcorp Genetics (formerly Invitae), Labcorp
Classification: Uncertain significance for Birt-Hogg-Dube syndrome. Last evaluated: 2022-04-11. Review status: criteria provided, single submitter. Criteria: Invitae Variant Classification Sherloc (09022015). Collection method: clinical testing. Allele origin: germline.
Comment: In summary, the available evidence is currently insufficient to determine the role of this variant in disease. Therefore, it has been classified as a Variant of Uncertain Significance. Algorithms developed to predict the effect of missense changes on protein structure and function (SIFT, PolyPhen-2, Align-GVGD) all suggest that this variant is likely to be disruptive. This variant has not been reported in the literature in individuals affected with FLCN-related conditions. This variant is not present in population databases (gnomAD no frequency). This sequence change replaces alanine, which is neutral and non-polar, with threonine, which is neutral and polar, at codon 124 of the FLCN protein (p.Ala124Thr).

NM_144997.7(FLCN):c.370G>A (p.Ala124Thr)

Gene: FLCN (folliculin; minus strand). Cytogenetic location: 17p11.2.
Variant type: single nucleotide variant.
Coding change: c.370G>A on transcript NM_144997.7 (MANE Select); coding-DNA position 370, G replaced by A.
Protein change: p.Ala124Thr; replaces alanine 124 with threonine.
Molecular consequence: missense variant.
Genome position (GRCh38, 1-based): chr17:17,226,202, C>T on the plus strand (G>A on the coding strand, the complement: FLCN is on the minus strand). VCF-style: chr17-17226202-C-T. GRCh37 (hg19) VCF-style: chr17-17129516-C-T.
Other names: c.370G>A, p.Ala124Thr (NM_001353229.2, NM_001353230.2, NM_001353231.2 and 1 more transcripts); short protein forms A124T.
Identifiers: ClinVar variation 1804586 (VCV001804586.8), dbSNP rs2544280247, ClinGen allele CA398534731.